The following is an entry in ClinVar:

NM_014254.3(RXYLT1):c.233A>G (p.Gln78Arg)

Gene: RXYLT1 (ribitol xylosyltransferase 1; plus strand). Cytogenetic location: 12q14.2.
Variant type: single nucleotide variant.
Coding change: c.233A>G on transcript NM_014254.3 (MANE Select); coding-DNA position 233, A replaced by G.
Protein change: p.Gln78Arg; replaces glutamine 78 with arginine.
Molecular consequence: missense variant. On other transcripts: 5 prime UTR variant (1).
Genome position (GRCh38, 1-based): chr12:63,781,082, A>G. VCF-style: chr12-63781082-A-G. GRCh37 (hg19) VCF-style: chr12-64174862-A-G.
Other names: c.-548A>G (NM_001278237.2); short protein forms Q78R.
Identifiers: ClinVar variation 2081258 (VCV002081258.4), dbSNP rs146497571, ClinGen allele CA6666024.
Genomic context (GRCh38, chr12:63,781,082, plus strand): 5'-AGTCCACTTTGGAAAGTGAAGAATGGAATCCTTGGGAAGGAGATGAAAAAAATGAGCAAC[A>G]ACACAGATTTAAAACTAGCCTTCAAATATTAGATAAATCCACGAAAGGAAAAACAGATCT-3'
Protein context (NP_055069.1, residues 68-88): PWEGDEKNEQ[Gln78Arg]HRFKTSLQIL

ClinVar aggregate classification (germline): Uncertain significance. Review status: criteria provided, multiple submitters, no conflicts (2 of 4 stars). 2 submissions from 2 submitters: Uncertain significance (2). Last evaluated 2022-07-15.

Conditions:
Muscular dystrophy-dystroglycanopathy (congenital with brain and eye anomalies), type a, 10 (MDDGA10). Also called: WALKER-WARBURG SYNDROME OR MUSCLE-EYE-BRAIN DISEASE, TMEM5-RELATED. Identifiers: Orphanet 899, MedGen C3554381, MONDO:0014022, OMIM 615041.

Allele frequency attached by ClinVar (database versions not stated): gnomAD exomes below 0.00001; ExAC 0.00002; gnomAD 0.00007; TOPMed 0.00007; ESP Exome Variant Server 0.00015.

Submissions (2):

Labcorp Genetics (formerly Invitae), Labcorp
Classification: Uncertain significance. Last evaluated: 2022-07-15. Review status: criteria provided, single submitter. Criteria: Invitae Variant Classification Sherloc (09022015). Collection method: clinical testing. Allele origin: germline.
Comment: This sequence change replaces glutamine, which is neutral and polar, with arginine, which is basic and polar, at codon 78 of the RXYLT1 protein (p.Gln78Arg). This variant is present in population databases (rs146497571, gnomAD 0.02%). This variant has not been reported in the literature in individuals affected with RXYLT1-related conditions. Algorithms developed to predict the effect of missense changes on protein structure and function output the following: SIFT: "Tolerated"; PolyPhen-2: "Benign"; Align-GVGD: "Class C0". The arginine amino acid residue is found in multiple mammalian species, which suggests that this missense change does not adversely affect protein function. In summary, the available evidence is currently insufficient to determine the role of this variant in disease. Therefore, it has been classified as a Variant of Uncertain Significance.

Revvity Omics, Revvity
Classification: Uncertain significance for Muscular dystrophy-dystroglycanopathy (congenital with brain and eye anomalies), type a, 10. Last evaluated: 2022-06-22. Review status: criteria provided, single submitter. Criteria: ACMG Guidelines, 2015. Collection method: clinical testing. Allele origin: germline.